The following is an entry in ClinVar:

ClinVar aggregate classification (germline): Likely benign. Review status: criteria provided, multiple submitters, no conflicts (2 of 4 stars). 3 submissions from 3 submitters: Likely benign (2). 1 of the submissions does not count toward it. Last evaluated 2025-09-15.

Conditions:
Dilated cardiomyopathy 1DD (CMD1DD). Identifiers: Orphanet 154, MedGen C2750995, MONDO:0013168, OMIM 613172.
RBM20-related disorder. Also called: RBM20-related condition.
Cardiovascular phenotype. Identifiers: MedGen CN230736.

Allele frequency attached by ClinVar (database versions not stated): gnomAD exomes 0.00001; gnomAD 0.00005 and 0.00006; TOPMed 0.00005; ExAC 0.00010; ESP Exome Variant Server 0.00022.
gnomAD v4.1: 15 of 1,550,668 alleles (0.00097%); highest among the groups gnomAD compares: African/African-American, 0.014%; no homozygotes.

Submissions (3):

Labcorp Genetics (formerly Invitae), Labcorp
Classification: Likely benign for Dilated cardiomyopathy 1DD. Last evaluated: 2025-09-15. Review status: criteria provided, single submitter. Criteria: Invitae Variant Classification Sherloc (09022015). Collection method: clinical testing. Allele origin: germline.

Ambry Genetics
Classification: Likely benign for Cardiovascular phenotype. Last evaluated: 2022-11-07. Review status: criteria provided, single submitter. Criteria: Ambry Variant Classification Scheme 2023. Collection method: clinical testing. Allele origin: germline.

PreventionGenetics, part of Exact Sciences
Classification: Likely benign for RBM20-related condition. Last evaluated: 2019-05-14. Review status: no assertion criteria provided. Collection method: clinical testing. Allele origin: germline. Not counted in ClinVar's aggregate classification.
Comment: This variant is classified as likely benign based on ACMG/AMP sequence variant interpretation guidelines (Richards et al. 2015 PMID: 25741868, with internal and published modifications).

NM_001134363.3(RBM20):c.3462C>T (p.Phe1154=)

Gene: RBM20 (RNA binding motif protein 20; plus strand). Cytogenetic location: 10q25.2.
Variant type: single nucleotide variant.
Coding change: c.3462C>T on transcript NM_001134363.3 (MANE Select); coding-DNA position 3462, C replaced by T.
Protein change: p.Phe1154=; no amino-acid change (phenylalanine 1154 retained).
Molecular consequence: synonymous variant.
Genome position (GRCh38, 1-based): chr10:110,831,071, C>T. VCF-style: chr10-110831071-C-T. GRCh37 (hg19) VCF-style: chr10-112590829-C-T.
Other names: c.3462C>T (NM_001134363.2, NM_001134363.1).
Identifiers: ClinVar variation 1113138 (VCV001113138.12), dbSNP rs371172286, ClinGen allele CA5688790.